The following is an entry in ClinVar:

NM_006180.6(NTRK2):c.505C>G (p.Pro169Ala)

Gene: NTRK2 (neurotrophic receptor tyrosine kinase 2; plus strand). Cytogenetic location: 9q21.33.
Variant type: single nucleotide variant.
Coding change: c.505C>G on transcript NM_006180.6 (MANE Select); coding-DNA position 505, C replaced by G.
Protein change: p.Pro169Ala; replaces proline 169 with alanine.
Molecular consequence: missense variant.
Genome position (GRCh38, 1-based): chr9:84,710,713, C>G. VCF-style: chr9-84710713-C-G. GRCh37 (hg19) VCF-style: chr9-87325628-C-G.
Other names: c.37C>G, p.Pro13Ala (NM_001369536.1, NM_001369535.1, NM_001369550.1 and 2 more transcripts); c.505C>G, p.Pro169Ala (NM_001369537.1, NM_001369538.1, NM_001369539.1 and 18 more transcripts); short protein forms P169A, P13A.
Identifiers: ClinVar variation 3688450 (VCV003688450.2).

ClinVar aggregate classification (germline): Uncertain significance (1 of 4 stars; one submission).

gnomAD v4.1: 2 of 1,613,982 alleles (0.00012%); no homozygotes.

Submission:

Labcorp Genetics (formerly Invitae), Labcorp
Classification: Uncertain significance. Last evaluated: 2024-05-16. Review status: criteria provided, single submitter. Criteria: Invitae Variant Classification Sherloc (09022015). Collection method: clinical testing. Allele origin: germline.
Comment: This sequence change replaces proline, which is neutral and non-polar, with alanine, which is neutral and non-polar, at codon 169 of the NTRK2 protein (p.Pro169Ala). This variant is not present in population databases (gnomAD no frequency). This variant has not been reported in the literature in individuals affected with NTRK2-related conditions. Advanced modeling of protein sequence and biophysical properties (such as structural, functional, and spatial information, amino acid conservation, physicochemical variation, residue mobility, and thermodynamic stability) performed at Invitae indicates that this missense variant is not expected to disrupt NTRK2 protein function with a negative predictive value of 80%. In summary, the available evidence is currently insufficient to determine the role of this variant in disease. Therefore, it has been classified as a Variant of Uncertain Significance.